The following is an entry in ClinVar:

ClinVar aggregate classification (germline): Uncertain significance (1 of 4 stars; one submission).

Conditions:
Osteogenesis imperfecta type I (OI1). Also called: Classic Non-deforming Osteogenesis Imperfecta with Blue Sclerae; Lobstein's Disease; Lobstein disease; OI, TYPE I; OSTEOGENESIS IMPERFECTA TARDA; OSTEOGENESIS IMPERFECTA WITH BLUE SCLERAE. Identifiers: Orphanet 216796, Orphanet 666, MedGen C0023931, MONDO:0008146, OMIM 166200. Disease mechanism: loss of function.

Submission:

Labcorp Genetics (formerly Invitae), Labcorp
Classification: Uncertain significance for Osteogenesis imperfecta type I. Last evaluated: 2024-03-27. Review status: criteria provided, single submitter. Criteria: Invitae Variant Classification Sherloc (09022015). Collection method: clinical testing. Allele origin: germline.
Comment: This sequence change replaces serine, which is neutral and polar, with asparagine, which is neutral and polar, at codon 1251 of the COL1A1 protein (p.Ser1251Asn). This variant is not present in population databases (gnomAD no frequency). This variant has not been reported in the literature in individuals affected with COL1A1-related conditions. Advanced modeling of protein sequence and biophysical properties (such as structural, functional, and spatial information, amino acid conservation, physicochemical variation, residue mobility, and thermodynamic stability) performed at Invitae indicates that this missense variant is not expected to disrupt COL1A1 protein function with a negative predictive value of 95%. In summary, the available evidence is currently insufficient to determine the role of this variant in disease. Therefore, it has been classified as a Variant of Uncertain Significance.

NM_000088.4(COL1A1):c.3752G>A (p.Ser1251Asn)

Gene: COL1A1 (collagen type I alpha 1 chain; minus strand). Cytogenetic location: 17q21.33.
Variant type: single nucleotide variant.
Coding change: c.3752G>A on transcript NM_000088.4 (MANE Select); coding-DNA position 3752, G replaced by A.
Protein change: p.Ser1251Asn; replaces serine 1251 with asparagine.
Molecular consequence: missense variant.
Genome position (GRCh38, 1-based): chr17:50,186,702, C>T on the plus strand (G>A on the coding strand, the complement: COL1A1 is on the minus strand). VCF-style: chr17-50186702-C-T. GRCh37 (hg19) VCF-style: chr17-48264063-C-T.
Other names: short protein forms S1251N.
Identifiers: ClinVar variation 3611612 (VCV003611612.2).